The following is an entry in ClinVar:

NM_022124.6(CDH23):c.7055-15G>A

Gene: CDH23 (cadherin related 23; plus strand). Cytogenetic location: 10q22.1.
Variant type: single nucleotide variant.
Coding change: c.7055-15G>A on transcript NM_022124.6 (MANE Select); 15 bases into the intron before coding-DNA position 7055, G replaced by A.
Molecular consequence: intron variant.
Genome position (GRCh38, 1-based): chr10:71,799,096, G>A. VCF-style: chr10-71799096-G-A. GRCh37 (hg19) VCF-style: chr10-73558853-G-A.
Other names: c.335-15G>A (NM_001171933.1, NM_001171934.1).
Identifiers: ClinVar variation 517331 (VCV000517331.11), dbSNP rs371872394, ClinGen allele CA5546257.

ClinVar aggregate classification (germline): Conflicting classifications of pathogenicity. Review status: criteria provided, conflicting classifications (1 of 4 stars). 4 submissions from 3 submitters: Uncertain significance (3); Likely benign (1). Last evaluated 2023-04-10.

Conditions:
Usher syndrome type 1D (USH1D). Also called: USHER SYNDROME, TYPE ID. Identifiers: Orphanet 231169, Orphanet 886, MedGen C1832845, MONDO:0010984, OMIM 601067.
Autosomal recessive nonsyndromic hearing loss 12. Also called: DEAFNESS, AUTOSOMAL RECESSIVE 12. Identifiers: Orphanet 90636, MedGen C1832394, MONDO:0011067, OMIM 601386.

Allele frequency attached by ClinVar (database versions not stated): gnomAD exomes below 0.00001; ExAC 0.00001; gnomAD 0.00001.

Submissions (4):

Labcorp Genetics (formerly Invitae), Labcorp
Classification: Likely benign. Last evaluated: 2023-04-10. Review status: criteria provided, single submitter. Criteria: Invitae Variant Classification Sherloc (09022015). Collection method: clinical testing. Allele origin: germline.

Laboratory for Molecular Medicine, Mass General Brigham Personalized Medicine
Classification: Uncertain significance. Last evaluated: 2017-08-10. Review status: criteria provided, single submitter. Criteria: LMM Criteria. Collection method: clinical testing. Allele origin: germline. Observed: 2 variant alleles.
Comment: Variant classified as Uncertain Significance - Favor Benign. The c.7055-15G>A va riant in CDH23 has not been previously reported in individuals with hearing loss , but has been identified in 1/109340 European chromosomes by the Genome Aggrega tion Database (gnomAD; dbSNP rs371872394). Alt hough this variant has been seen in the general population, its frequency is not high enough to rule out a pathogenic role. This variant is located in the 3' sp lice region. Computational tools do not suggest an impact to splicing. Furthermo re, this nucleotide is not conserved with two mammals (prairie vole and ferret) having an adenine (A) at this position. However, this information is not predict ive enough to rule out pathogenicity. In summary, while the clinical significanc e of the c.7055-15G>A variant is uncertain, the splicing and conservation data s uggest it is more likely to be benign.

Illumina Laboratory Services, Illumina
Classification: Uncertain significance for Autosomal recessive nonsyndromic hearing loss 12. Last evaluated: 2017-04-27. Review status: criteria provided, single submitter. Criteria: ICSL Variant Classification Criteria 13 December 2019. Collection method: clinical testing. Allele origin: germline.

Illumina Laboratory Services, Illumina
Classification: Uncertain significance for Usher syndrome type 1D. Last evaluated: 2017-04-27. Review status: criteria provided, single submitter. Criteria: ICSL Variant Classification Criteria 13 December 2019. Collection method: clinical testing. Allele origin: germline.